The following is an entry in ClinVar:

NM_172351.3(CD46):c.785T>C (p.Leu262Pro)

Gene: CD46 (CD46 molecule; plus strand). Cytogenetic location: 1q32.2.
Variant type: single nucleotide variant.
Coding change: c.785T>C on transcript NM_172351.3 (MANE Select); coding-DNA position 785, T replaced by C.
Protein change: p.Leu262Pro; replaces leucine 262 with proline.
Molecular consequence: missense variant.
Genome position (GRCh38, 1-based): chr1:207,767,124, T>C. VCF-style: chr1-207767124-T-C. GRCh37 (hg19) VCF-style: chr1-207940469-T-C.
Other names: c.785T>C, p.Leu262Pro (NM_002389.4, NM_153826.4, NM_172350.3 and 8 more transcripts); short protein forms L262P.
Identifiers: ClinVar variation 4291183 (VCV004291183.1).

ClinVar aggregate classification (germline): Uncertain significance (1 of 4 stars; one submission).

Conditions:
Atypical hemolytic-uremic syndrome. Identifiers: Orphanet 2134, MedGen C2931788, MONDO:0016244.

gnomAD v4.1: 13 of 1,613,926 alleles (0.00081%); highest among the groups gnomAD compares: Non-Finnish European, 0.0011%; no homozygotes.

Submission:

Genomenon, Inc
Classification: Uncertain significance for Atypical hemolytic-uremic syndrome. Last evaluated: 2025-10-02. Review status: criteria provided, single submitter. Criteria: Genomenon Sequence Variant Interpretation Standards. Collection method: curation. Allele origin: germline. Affected: yes.
Comment: CD46 p.Leu262Pro (c.785T>C) is a missense variant that changes the amino acid at residue 262 from Leucine to Proline. This variant has been observed in at least one proband affected with atypical hemolytic-uremic syndrome (PMID:23389237). It is absent or not present at a significant frequency in gnomAD. In conclusion, we classify CD46 p.Leu262Pro (c.785T>C) as a variant of uncertain significance.

Literature cited by the submitters: PubMed 23389237.